The following is an entry in ClinVar:

ClinVar aggregate classification (germline): Uncertain significance (1 of 4 stars; one submission).

Allele frequency attached by ClinVar (database versions not stated): ExAC 0.00001; gnomAD exomes 0.00001 and 0.00002.
gnomAD v4.1: 5 of 1,613,974 alleles (0.00031%); highest among the groups gnomAD compares: Admixed American, 0.0067%; no homozygotes.

Submission:

Genetic Services Laboratory, University of Chicago
Classification: Uncertain significance. Last evaluated: 2021-03-31. Review status: criteria provided, single submitter. Criteria: ACMG Guidelines, 2015. Collection method: clinical testing. Allele origin: germline. Affected: no.
Comment: DNA sequence analysis of the CSF3R gene demonstrated a sequence change in intron 8, c.998-3C>T. This sequence change has been described in gnomAD with a frequency of 0.0087% in the Latino sub-population (dbSNP rs753747584). This sequence change is not clearly predicted to have a deleterious effect on splicing based on in-silico splice prediction programs. This change does not appear to have been previously described in patients with CSF3R-related disorders and has also not been described as a known benign sequence change in the CSF3R gene. The functional significance of this sequence change is not known at present and its contribution to this patient's disease phenotype cannot definitively be determined.

NM_000760.4(CSF3R):c.998-3C>T

Gene: CSF3R (colony stimulating factor 3 receptor; minus strand). Cytogenetic location: 1p34.3.
Variant type: single nucleotide variant.
Coding change: c.998-3C>T on transcript NM_000760.4 (MANE Select); 3 bases into the intron before coding-DNA position 998, C replaced by T.
Molecular consequence: intron variant.
Genome position (GRCh38, 1-based): chr1:36,472,142, G>A on the plus strand (C>T on the coding strand, the complement: CSF3R is on the minus strand). VCF-style: chr1-36472142-G-A. GRCh37 (hg19) VCF-style: chr1-36937743-G-A.
Other names: c.998-3C>T (NM_156039.3, NM_172313.3).
Identifiers: ClinVar variation 1337878 (VCV001337878.4), dbSNP rs753747584, ClinGen allele CA769304.